The following is an entry in ClinVar:

NM_000057.4(BLM):c.869A>C (p.Glu290Ala)

Gene: BLM (BLM RecQ like helicase; plus strand). Cytogenetic location: 15q26.1.
Variant type: single nucleotide variant.
Coding change: c.869A>C on transcript NM_000057.4 (MANE Select); coding-DNA position 869, A replaced by C.
Protein change: p.Glu290Ala; replaces glutamic acid 290 with alanine.
Molecular consequence: missense variant. On other transcripts: 5 prime UTR variant (1).
Genome position (GRCh38, 1-based): chr15:90,751,856, A>C. VCF-style: chr15-90751856-A-C. GRCh37 (hg19) VCF-style: chr15-91295086-A-C.
Other names: c.869A>C, p.Glu290Ala (NM_001287246.2, NM_001287247.2); c.-423A>C (NM_001287248.2); short protein forms E290A.
Identifiers: ClinVar variation 3480860 (VCV003480860.1).

ClinVar aggregate classification (germline): Uncertain significance (1 of 4 stars; one submission).

Conditions:
Hereditary cancer-predisposing syndrome. Also called: Tumor predisposition; Neoplastic Syndromes, Hereditary; Hereditary Cancer Syndrome; Hereditary neoplastic syndrome. Identifiers: Orphanet 140162, MedGen C0027672, MeSH D009386, MONDO:0015356.

Submission:

Ambry Genetics
Classification: Uncertain significance for Hereditary cancer-predisposing syndrome. Last evaluated: 2024-09-21. Review status: criteria provided, single submitter. Criteria: Ambry Variant Classification Scheme 2023. Collection method: clinical testing. Allele origin: germline.
Comment: The p.E290A variant (also known as c.869A>C), located in coding exon 3 of the BLM gene, results from an A to C substitution at nucleotide position 869. The glutamic acid at codon 290 is replaced by alanine, an amino acid with dissimilar properties. This amino acid position is conserved. In addition, this alteration is predicted to be tolerated by in silico analysis. Based on the available evidence, the clinical significance of this variant remains unclear.